The following is an entry in ClinVar:

NM_001371928.1(AHDC1):c.2908C>T (p.Gln970Ter)

Gene: AHDC1 (AT-hook DNA binding motif containing 1; minus strand). Cytogenetic location: 1p36.11.
Variant type: single nucleotide variant.
Coding change: c.2908C>T on transcript NM_001371928.1 (MANE Select); coding-DNA position 2908, C replaced by T.
Protein change: p.Gln970Ter; replaces glutamine 970 with a stop codon.
Molecular consequence: nonsense.
Genome position (GRCh38, 1-based): chr1:27,549,208, G>A on the plus strand (C>T on the coding strand, the complement: AHDC1 is on the minus strand). VCF-style: chr1-27549208-G-A. GRCh37 (hg19) VCF-style: chr1-27875719-G-A.
Other names: c.2908C>T, p.Gln970Ter (NM_001029882.3); short protein forms Q970*.
Identifiers: ClinVar variation 280607 (VCV000280607.7), dbSNP rs886041781, ClinGen allele CA10602795.
Genomic context (GRCh38, chr1:27,549,208, plus strand): 5'-GGCCTGTAAAGGGCTTAGTTGGGGCGAATACGCTTTGTCCGGCCCCATAGCCGCCGTACT[G>A]GGGCAGGTAGGTGTTGGCAGGCGGGTGGGTGGTAGGTGAGCGGGCCATGGCTGAGGGCGG-3'

ClinVar aggregate classification (germline): Pathogenic. Review status: criteria provided, single submitter (1 of 4 stars). 3 submissions from 3 submitters: Pathogenic (1). 2 of the submissions do not count toward it. Last evaluated 2024-07-15.

Conditions:
AHDC1-related intellectual disability - obstructive sleep apnea - mild dysmorphism syndrome. Also called: Xia-Gibbs syndrome. Identifiers: Orphanet 412069, MedGen C4014419, MONDO:0014358, OMIM 615829.

Submissions (3):

GeneDx
Classification: Pathogenic. Last evaluated: 2024-07-15. Review status: criteria provided, single submitter. Criteria: GeneDx Variant Classification Process June 2021. Collection method: clinical testing. Allele origin: germline. Affected: yes.
Comment: Nonsense variant predicted to result in protein truncation in a gene for which loss of function is a known mechanism of disease; Not observed in large population cohorts (gnomAD); This variant is associated with the following publications: (PMID: 29696776, 33057194, 35982159, 36054313, 30729726, 33644933, 32256298)

GeneReviews
No classification provided. Condition: AHDC1-related intellectual disability - obstructive sleep apnea - mild dysmorphism syndrome. Review status: no classification provided. Collection method: literature only. Allele origin: germline. Not counted in ClinVar's aggregate classification.
Comment: Recurring pathogenic variant

Human Genome Sequencing Center Clinical Lab, Baylor College of Medicine
Classification: Pathogenic for AHDC1-related intellectual disability - obstructive sleep apnea - mild dysmorphism syndrome. Review status: no assertion criteria provided. Collection method: clinical testing. Allele origin: de novo. Affected: yes. Observed: 2 variant alleles. Not counted in ClinVar's aggregate classification.

Literature cited by the submitters: PubMed 29696776 (cited by GeneReviews); PubMed 33644933 (cited by GeneReviews).